The following is an entry in ClinVar:

ClinVar aggregate classification (germline): Uncertain significance (1 of 4 stars; one submission).

Submission:

GeneDx
Classification: Uncertain significance. Last evaluated: 2020-03-13. Review status: criteria provided, single submitter. Criteria: GeneDx Variant Classification Process June 2021. Collection method: clinical testing. Allele origin: germline. Affected: yes.
Comment: Not observed in large population cohorts (Lek et al., 2016); In silico analysis supports that this missense variant has a deleterious effect on protein structure/function; Has not been previously published as pathogenic or benign to our knowledge

NM_001375405.1(CEP120):c.1661C>G (p.Ser554Cys)

Gene: CEP120 (centrosomal protein 120; minus strand). Cytogenetic location: 5q23.2.
Variant type: single nucleotide variant.
Coding change: c.1661C>G on transcript NM_001375405.1 (MANE Select); coding-DNA position 1661, C replaced by G.
Protein change: p.Ser554Cys; replaces serine 554 with cysteine.
Molecular consequence: missense variant. On other transcripts: non-coding transcript variant (1).
Genome position (GRCh38, 1-based): chr5:123,385,053, G>C on the plus strand (C>G on the coding strand, the complement: CEP120 is on the minus strand). VCF-style: chr5-123385053-G-C. GRCh37 (hg19) VCF-style: chr5-122720747-G-C.
Other names: c.1583C>G, p.Ser528Cys (NM_001166226.2); c.1526C>G, p.Ser509Cys (NM_001375406.1); c.1661C>G, p.Ser554Cys (NM_001375407.1, NM_153223.4); c.1088C>G, p.Ser363Cys (NM_001375408.1, NM_001375409.1); short protein forms S363C, S509C, S528C, S554C.
Identifiers: ClinVar variation 1315268 (VCV001315268.2), dbSNP rs2127056055, ClinGen allele CA360902596.